The following is an entry in ClinVar:

ClinVar aggregate classification (germline): Uncertain significance (1 of 4 stars; one submission).

Conditions:
Familial hypocalciuric hypercalcemia (FHH). Also called: Familial benign hypercalcemia. Identifiers: Orphanet 405, MedGen C1809471, MONDO:0018458.
Autosomal dominant hypocalcemia 1 (HYPOC1). Also called: HYPOCALCEMIA, FAMILIAL. Identifiers: MedGen C3715128, MONDO:0011013, OMIM 601198.

Submission:

Labcorp Genetics (formerly Invitae), Labcorp
Classification: Uncertain significance for Familial hypocalciuric hypercalcemia; Autosomal dominant hypocalcemia 1. Last evaluated: 2021-11-05. Review status: criteria provided, single submitter. Criteria: Invitae Variant Classification Sherloc (09022015). Collection method: clinical testing. Allele origin: germline.
Comment: This sequence change replaces serine, which is neutral and polar, with arginine, which is basic and polar, at codon 272 of the CASR protein (p.Ser272Arg). This variant is not present in population databases (gnomAD no frequency). This variant has not been reported in the literature in individuals affected with CASR-related conditions. Algorithms developed to predict the effect of missense changes on protein structure and function (SIFT, PolyPhen-2, Align-GVGD) all suggest that this variant is likely to be disruptive. In summary, the available evidence is currently insufficient to determine the role of this variant in disease. Therefore, it has been classified as a Variant of Uncertain Significance.

NM_000388.4(CASR):c.816T>A (p.Ser272Arg)

Gene: CASR (calcium sensing receptor; plus strand). Cytogenetic location: 3q21.1.
Variant type: single nucleotide variant.
Coding change: c.816T>A on transcript NM_000388.4 (MANE Select); coding-DNA position 816, T replaced by A.
Protein change: p.Ser272Arg; replaces serine 272 with arginine.
Molecular consequence: missense variant.
Genome position (GRCh38, 1-based): chr3:122,261,851, T>A. VCF-style: chr3-122261851-T-A. GRCh37 (hg19) VCF-style: chr3-121980698-T-A.
Other names: c.816T>A, p.Ser272Arg (NM_001178065.2); short protein forms S272R.
Identifiers: ClinVar variation 1349538 (VCV001349538.6), dbSNP rs2107632311, ClinGen allele CA354151417.